The following is an entry in ClinVar:

NM_002386.4(MC1R):c.898T>G (p.Phe300Val)

Gene: MC1R (melanocortin 1 receptor; plus strand). Cytogenetic location: 16q24.3.
Variant type: single nucleotide variant.
Coding change: c.898T>G on transcript NM_002386.4 (MANE Select); coding-DNA position 898, T replaced by G.
Protein change: p.Phe300Val; replaces phenylalanine 300 with valine.
Molecular consequence: missense variant.
Genome position (GRCh38, 1-based): chr16:89,920,156, T>G. VCF-style: chr16-89920156-T-G. GRCh37 (hg19) VCF-style: chr16-89986564-T-G.
Other names: short protein forms F300V.
Identifiers: ClinVar variation 862255 (VCV000862255.8), dbSNP rs1413138979, ClinGen allele CA397463779.

ClinVar aggregate classification (germline): Uncertain significance. Review status: criteria provided, multiple submitters, no conflicts (2 of 4 stars). 2 submissions from 2 submitters: Uncertain significance (2). Last evaluated 2025-08-25.

Conditions:
Melanoma, cutaneous malignant, susceptibility to, 5. Also called: Cutaneous malignant melanoma 5. Identifiers: Orphanet 618, MedGen C2751295, MONDO:0013133, OMIM 613099.

Allele frequency attached by ClinVar (database versions not stated): gnomAD 0.00001; gnomAD exomes 0.00001 and 0.00002; TOPMed 0.00005.
gnomAD v4.1: 8 of 1,613,872 alleles (0.0005%); highest among the groups gnomAD compares: Admixed American, 0.013%; 1 homozygote.

Submissions (2):

Ambry Genetics
Classification: Uncertain significance. Last evaluated: 2025-08-25. Review status: criteria provided, single submitter. Criteria: Ambry Variant Classification Scheme 2023. Collection method: clinical testing. Allele origin: germline.

Labcorp Genetics (formerly Invitae), Labcorp
Classification: Uncertain significance for Melanoma, cutaneous malignant, susceptibility to, 5. Last evaluated: 2024-12-02. Review status: criteria provided, single submitter. Criteria: Invitae Variant Classification Sherloc (09022015). Collection method: clinical testing. Allele origin: germline.
Comment: This sequence change replaces phenylalanine, which is neutral and non-polar, with valine, which is neutral and non-polar, at codon 300 of the MC1R protein (p.Phe300Val). This variant is present in population databases (no rsID available, gnomAD 0.01%). This variant has not been reported in the literature in individuals affected with MC1R-related conditions. ClinVar contains an entry for this variant (Variation ID: 862255). Invitae Evidence Modeling of protein sequence and biophysical properties (such as structural, functional, and spatial information, amino acid conservation, physicochemical variation, residue mobility, and thermodynamic stability) indicates that this missense variant is not expected to disrupt MC1R protein function with a negative predictive value of 80%. In summary, the available evidence is currently insufficient to determine the role of this variant in disease. Therefore, it has been classified as a Variant of Uncertain Significance.